The following is an entry in ClinVar:

NM_006420.3(ARFGEF2):c.2504T>A (p.Leu835Gln)

Gene: ARFGEF2 (ARF guanine nucleotide exchange factor 2; plus strand). Cytogenetic location: 20q13.13.
Variant type: single nucleotide variant.
Coding change: c.2504T>A on transcript NM_006420.3 (MANE Select); coding-DNA position 2504, T replaced by A.
Protein change: p.Leu835Gln; replaces leucine 835 with glutamine.
Molecular consequence: missense variant.
Genome position (GRCh38, 1-based): chr20:48,988,633, T>A. VCF-style: chr20-48988633-T-A. GRCh37 (hg19) VCF-style: chr20-47605170-T-A.
Other names: short protein forms L835Q.
Identifiers: ClinVar variation 1303599 (VCV001303599.2), dbSNP rs2123460032, ClinGen allele CA409305956.

ClinVar aggregate classification (germline): Uncertain significance (1 of 4 stars; one submission).

Submission:

GeneDx
Classification: Uncertain significance. Last evaluated: 2019-09-23. Review status: criteria provided, single submitter. Criteria: GeneDx Variant Classification Process June 2021. Collection method: clinical testing. Allele origin: germline. Affected: yes.
Comment: Not observed in large population cohorts (Lek et al., 2016); In silico analysis, which includes protein predictors and evolutionary conservation, supports that this variant does not alter protein structure/function; Has not been previously published as pathogenic or benign to our knowledge